The following is an entry in ClinVar:

ClinVar aggregate classification (germline): Uncertain significance (1 of 4 stars; one submission).

Submission:

Ambry Genetics
Classification: Uncertain significance. Last evaluated: 2022-08-29. Review status: criteria provided, single submitter. Criteria: Ambry Variant Classification Scheme 2023. Collection method: clinical testing. Allele origin: germline.
Comment: The p.E2032G variant (also known as c.6095A>G), located in coding exon 10 of the ALPK2 gene, results from an A to G substitution at nucleotide position 6095. The glutamic acid at codon 2032 is replaced by glycine, an amino acid with similar properties. This amino acid position is conserved. In addition, this alteration is predicted to be tolerated by in silico analysis. Since supporting evidence is limited at this time, the clinical significance of this alteration remains unclear.

NM_052947.4(ALPK2):c.6095A>G (p.Glu2032Gly)

Gene: ALPK2 (alpha kinase 2; minus strand). Cytogenetic location: 18q21.31.
Variant type: single nucleotide variant.
Coding change: c.6095A>G on transcript NM_052947.4 (MANE Select); coding-DNA position 6095, A replaced by G.
Protein change: p.Glu2032Gly; replaces glutamic acid 2032 with glycine.
Molecular consequence: missense variant.
Genome position (GRCh38, 1-based): chr18:58,504,083, T>C on the plus strand (A>G on the coding strand, the complement: ALPK2 is on the minus strand). VCF-style: chr18-58504083-T-C. GRCh37 (hg19) VCF-style: chr18-56171315-T-C.
Other names: short protein forms E2032G.
Identifiers: ClinVar variation 1751527 (VCV001751527.2), dbSNP rs2518855019, ClinGen allele CA402544370.
Genomic context (GRCh38, chr18:58,504,083, plus strand): 5'-CTCAAGAAGTTTATTTCTTTCCCATCCCTGATGGAATACTTCACAAATTCTCCAATCAGC[T>C]CCTCCTCCACTGTAGCATACGGGATATTGTTCTCAGGCCGATGGATAAGAAAAATAGGAA-3'
Protein context (NP_443179.3, residues 2022-2042): NNIPYATVEE[Glu2032Gly]LIGEFVKYSI